The following is an entry in ClinVar:

NM_007294.4(BRCA1):c.1540C>T (p.Pro514Ser)

Gene: BRCA1 (BRCA1 DNA repair associated; minus strand). Cytogenetic location: 17q21.31.
Variant type: single nucleotide variant.
Coding change: c.1540C>T on transcript NM_007294.4 (MANE Select); coding-DNA position 1540, C replaced by T.
Protein change: p.Pro514Ser; replaces proline 514 with serine.
Molecular consequence: missense variant. On other transcripts: intron variant (137).
Genome position (GRCh38, 1-based): chr17:43,093,991, G>A on the plus strand (C>T on the coding strand, the complement: BRCA1 is on the minus strand). VCF-style: chr17-43093991-G-A. GRCh37 (hg19) VCF-style: chr17-41246008-G-A.
Other names: c.1399C>T, p.Pro467Ser (NM_001407852.1, NM_001407942.1, NM_001407944.1 and 29 more transcripts); c.1327C>T, p.Pro443Ser (NM_001407853.1, NM_001407894.1, NM_001407895.1 and 9 more transcripts); c.1540C>T, p.Pro514Ser (NM_001407854.1, NM_001407858.1, NM_001407859.1 and 30 more transcripts); c.1537C>T, p.Pro513Ser (NM_001407860.1, NM_001407861.1, NM_001407613.1 and 22 more transcripts); c.1339C>T, p.Pro447Ser (NM_001407862.1); c.1417C>T, p.Pro473Ser (NM_001407863.1, NM_001407939.1, NM_001407674.1 and 19 more transcripts); c.1330C>T, p.Pro444Ser (NM_001407900.1, NM_001407902.1, NM_001407904.1 and 13 more transcripts); c.1276C>T, p.Pro426Ser (NM_001407920.1, NM_001407921.1, NM_001407922.1 and 9 more transcripts); and 40 more; short protein forms P425S, P443S, P444S, P467S, P513S, P426S, P466S, P472S.
Identifiers: ClinVar variation 1774841 (VCV001774841.11), dbSNP rs1555591584, ClinGen allele CA10598970.

ClinVar aggregate classification (germline): Conflicting classifications of pathogenicity. Review status: criteria provided, conflicting classifications (1 of 4 stars). 4 submissions from 4 submitters: Uncertain significance (3); Likely benign (1). Last evaluated 2026-05-01.

Conditions:
Hereditary cancer-predisposing syndrome. Also called: Tumor predisposition; Hereditary neoplastic syndrome; Hereditary Cancer Syndrome; Neoplastic Syndromes, Hereditary. Identifiers: Orphanet 140162, MedGen C0027672, MeSH D009386, MONDO:0015356.
Hereditary breast ovarian cancer syndrome. Also called: Breast and ovarian cancer; BRCA1- and BRCA2-Associated Hereditary Breast and Ovarian Cancer; Hereditary breast and/or ovarian cancer syndrome; Hereditary breast and ovarian cancer; Hereditary breast and ovarian cancer syndrome; Hereditary breast and ovarian cancer syndrome (HBOC). Identifiers: Orphanet 145, MedGen C0677776, MeSH D061325, MONDO:0003582. Disease mechanism: loss of function.
BRCA1-related disorder. Also called: BRCA1-related condition.

Submissions (4):

PreventionGenetics, part of Exact Sciences
Classification: Uncertain significance for BRCA1-related condition. Last evaluated: 2026-05-01. Review status: criteria provided, single submitter. Criteria: ACMG Guidelines, 2015. Collection method: clinical testing. Allele origin: germline.
Comment: The BRCA1 c.1540C>T variant is predicted to result in the amino acid substitution p.Pro514Ser. To our knowledge, this variant has not been reported in the literature or in a large population database (gnomAD), indicating this variant is rare. This variant has conflicting interpretations in ClinVar, ranging from uncertain to likely benign (Variation ID: 1774841). At this time, the clinical significance of this variant is uncertain due to the absence of conclusive functional and genetic evidence.

Ambry Genetics
Classification: Uncertain significance for Hereditary cancer-predisposing syndrome. Last evaluated: 2024-09-30. Review status: criteria provided, single submitter. Criteria: Ambry Variant Classification Scheme 2023. Collection method: clinical testing. Allele origin: germline.
Comment: The p.P514S variant (also known as c.1540C>T), located in coding exon 9 of the BRCA1 gene, results from a C to T substitution at nucleotide position 1540. The proline at codon 514 is replaced by serine, an amino acid with similar properties. This amino acid position is highly conserved in available vertebrate species. In addition, this alteration is predicted to be deleterious by in silico analysis. Since supporting evidence is limited at this time, the clinical significance of this alteration remains unclear.

Labcorp Genetics (formerly Invitae), Labcorp
Classification: Uncertain significance for Hereditary breast ovarian cancer syndrome. Last evaluated: 2024-02-12. Review status: criteria provided, single submitter. Criteria: Invitae Variant Classification Sherloc (09022015). Collection method: clinical testing. Allele origin: germline.
Comment: This sequence change replaces proline, which is neutral and non-polar, with serine, which is neutral and polar, at codon 514 of the BRCA1 protein (p.Pro514Ser). This variant is not present in population databases (gnomAD no frequency). This variant has not been reported in the literature in individuals affected with BRCA1-related conditions. ClinVar contains an entry for this variant (Variation ID: 1774841). Advanced modeling of protein sequence and biophysical properties (such as structural, functional, and spatial information, amino acid conservation, physicochemical variation, residue mobility, and thermodynamic stability) has been performed at Invitae for this missense variant, however the output from this modeling did not meet the statistical confidence thresholds required to predict the impact of this variant on BRCA1 protein function. In summary, the available evidence is currently insufficient to determine the role of this variant in disease. Therefore, it has been classified as a Variant of Uncertain Significance.

University of Washington Department of Laboratory Medicine, University of Washington
Classification: Likely benign for Hereditary cancer-predisposing syndrome. Last evaluated: 2023-03-23. Review status: criteria provided, single submitter. Criteria: Dines et al. (Genet Med. 2020). Collection method: curation. Allele origin: germline.
Comment: Missense variant in a coldspot region where missense variants are very unlikely to be pathogenic (PMID:31911673).

BRCA1 coldspot (exon 11 using historical exon numbering). Reclassification based on statistical prior probability